The following is an entry in ClinVar:

NM_005660.3(SLC35A2):c.629G>A (p.Cys210Tyr)

Gene: SLC35A2 (solute carrier family 35 member A2; minus strand). Cytogenetic location: Xp11.23.
Variant type: single nucleotide variant.
Coding change: c.629G>A on transcript NM_005660.3 (MANE Select); coding-DNA position 629, G replaced by A.
Protein change: p.Cys210Tyr; replaces cysteine 210 with tyrosine.
Molecular consequence: missense variant. On other transcripts: intron variant (3).
Genome position (GRCh38, 1-based): chrX:48,905,280, C>T on the plus strand (G>A on the coding strand, the complement: SLC35A2 is on the minus strand). VCF-style: chrX-48905280-C-T. GRCh37 (hg19) VCF-style: chrX-48762557-C-T.
Other names: c.629G>A, p.Cys210Tyr (NM_001042498.3); c.446G>A, p.Cys149Tyr (NM_001282649.2); c.668G>A, p.Cys223Tyr (NM_001282650.2); c.713G>A, p.Cys238Tyr (NM_001282651.2); c.427-388G>A (NM_001282647.2, NM_001032289.3); c.355-388G>A (NM_001282648.2); short protein forms C149Y, C210Y, C223Y, C238Y.
Identifiers: ClinVar variation 4076178 (VCV004076178.1).

ClinVar aggregate classification (germline): Uncertain significance (1 of 4 stars; one submission).

Conditions:
SLC35A2-congenital disorder of glycosylation. Also called: CONGENITAL DISORDER OF GLYCOSYLATION, TYPE IIm; CDG IIm; CONGENITAL DISORDER OF GLYCOSYLATION, TYPE IIm, SOMATIC MOSAIC; DEVELOPMENTAL AND EPILEPTIC ENCEPHALOPATHY 22; SLC35A2-CDG; EPILEPTIC ENCEPHALOPATHY, EARLY INFANTILE, 22. Identifiers: Orphanet 356961, MedGen C3806688, MONDO:0010478, OMIM 300896.

Submission:

Laboratorio de Genetica e Diagnostico Molecular, Hospital Israelita Albert Einstein
Classification: Uncertain significance for SLC35A2-congenital disorder of glycosylation. Last evaluated: 2025-03-28. Review status: criteria provided, single submitter. Criteria: ACMG Guidelines, 2015. Collection method: clinical testing. Allele origin: germline. Affected: yes.
Comment: ACMG classification criteria: PM2 supporting, PP3 supporting